The following is an entry in ClinVar:

NM_000384.3(APOB):c.7696G>A (p.Glu2566Lys)

Gene: APOB (apolipoprotein B; minus strand). Cytogenetic location: 2p24.1.
Variant type: single nucleotide variant.
Coding change: c.7696G>A on transcript NM_000384.3 (MANE Select); coding-DNA position 7696, G replaced by A.
Protein change: p.Glu2566Lys; replaces glutamic acid 2566 with lysine.
Molecular consequence: missense variant.
Genome position (GRCh38, 1-based): chr2:21,009,172, C>T on the plus strand (G>A on the coding strand, the complement: APOB is on the minus strand). VCF-style: chr2-21009172-C-T. GRCh37 (hg19) VCF-style: chr2-21232044-C-T.
Other names: short protein forms E2566K.
Identifiers: ClinVar variation 189300 (VCV000189300.91), dbSNP rs1801696, ClinGen allele CA022925.
Genomic context (GRCh38, chr2:21,009,172, plus strand): 5'-TGAACCCTTGCTCTACCAATGCTTTCATACGTTTAGCCCAATCTTGGATAGAATATTGCT[C>T]TGCAAAGTCAGTAAGGTTCTTAGCAGCAAGAGTCCACCAATCAGAAATGTAGGTGACAAG-3'
Protein context (NP_000375.3, residues 2556-2576): LAAKNLTDFA[Glu2566Lys]QYSIQDWAKR

ClinVar aggregate classification (germline): Conflicting classifications of pathogenicity. Review status: criteria provided, conflicting classifications (1 of 4 stars). 23 submissions from 22 submitters: Uncertain significance (5); Benign (6); Likely benign (9). 3 of the submissions do not count toward it. Last evaluated 2026-09-01.

Conditions:
Cardiovascular phenotype. Identifiers: MedGen CN230736.
Familial hypobetalipoproteinemia 1. Also called: Hypobetalipoproteinemia, normotriglyceridemic; Acanthocytosis with hypobetalipoproteinemia; APOB-Related Familial Hypobetalipoproteinemia. Identifiers: MedGen C4551990, MONDO:0014252, OMIM 615558.
Hypercholesterolemia, autosomal dominant, type B (FHCL2). Also called: Familial hypercholesterolemia 2; HYPERCHOLESTEROLEMIA, FAMILIAL, DUE TO LIGAND-DEFECTIVE APOLIPOPROTEIN B; APOB-Related Familial Hypercholesterolemia, Autosomal Dominant; Familial Hypercholesterolemia Type B; APOLIPOPROTEIN B-100, FAMILIAL DEFECTIVE; APOLIPOPROTEIN B-100, FAMILIAL LIGAND-DEFECTIVE. Identifiers: MedGen C1704417, MONDO:0007751, OMIM 144010.
Hypercholesterolemia, familial, 1. Also called: LDL RECEPTOR DISORDER; Hyperlipoproteinemia Type IIa; HYPER-LOW-DENSITY-LIPOPROTEINEMIA; HYPERCHOLESTEROLEMIC XANTHOMATOSIS, FAMILIAL; Fredrickson type IIa hyperlipoproteinemia; Hyperlipoproteinemia type 2. Identifiers: Orphanet 391665, MedGen C0745103, MONDO:0007750, OMIM 143890.

Allele frequency attached by ClinVar (database versions not stated): 1000 Genomes Project 0.00060; 1000 Genomes Project 30x 0.00078; gnomAD 0.00249 and 0.00305; gnomAD exomes 0.00256; ExAC 0.00270; TOPMed 0.00277; ESP Exome Variant Server 0.00323.
gnomAD v4.1: 4,874 of 1,614,090 alleles (0.3%); highest among the groups gnomAD compares: Non-Finnish European, 0.35%; 13 homozygotes.

Submissions (23):

CeGaT Center for Human Genetics Tuebingen
Classification: Likely benign. Last evaluated: 2026-09-01. Review status: criteria provided, single submitter. Criteria: CeGaT Center For Human Genetics Tuebingen Variant Classification Criteria Version 2. Collection method: clinical testing. Allele origin: germline. Affected: yes. Observed: 38 variant alleles.
Comment: APOB: BP4, BS2

Molecular Diagnostic Laboratory for Inherited Cardiovascular Disease, Montreal Heart Institute
Classification: Likely benign. Last evaluated: 2026-03-27. Review status: criteria provided, single submitter. Criteria: ACMG Guidelines, 2015. Collection method: clinical testing. Allele origin: germline. Affected: no.

Labcorp Genetics (formerly Invitae), Labcorp
Classification: Benign for Familial hypobetalipoproteinemia 1; Hypercholesterolemia, autosomal dominant, type B. Last evaluated: 2026-02-03. Review status: criteria provided, single submitter. Criteria: Invitae Variant Classification Sherloc (09022015). Collection method: clinical testing. Allele origin: germline.

ARUP Laboratories, Molecular Genetics and Genomics, ARUP Laboratories
Classification: Benign. Last evaluated: 2025-02-24. Review status: criteria provided, single submitter. Criteria: ARUP Molecular Germline Variant Investigation Process 2024. Collection method: clinical testing. Allele origin: germline.

Blueprint Genetics
Classification: Likely benign. Last evaluated: 2024-11-18. Review status: criteria provided, single submitter. Criteria: ACMG Guidelines, 2015. Collection method: clinical testing. Allele origin: germline.

Mayo Clinic Laboratories, Mayo Clinic
Classification: Benign. Last evaluated: 2024-07-17. Review status: criteria provided, single submitter. Criteria: ACMG Guidelines, 2015. Collection method: clinical testing. Allele origin: germline. Observed: 24 variant alleles.
Comment: BS1, BS2, BP4

Women's Health and Genetics/Laboratory Corporation of America, LabCorp
Classification: Likely benign. Last evaluated: 2024-06-19. Review status: criteria provided, single submitter. Criteria: LabCorp Variant Classification Summary - May 2015. Collection method: clinical testing. Allele origin: germline.
Comment: Variant summary: APOB c.7696G>A (p.Glu2566Lys) results in a conservative amino acid change in the encoded protein sequence. Four of five in-silico tools predict a benign effect of the variant on protein function. The variant allele was found at a frequency of 0.0026 in 251118 control chromosomes, predominantly at a frequency of 0.0037 within the Non-Finnish European subpopulation in the gnomAD database. The observed variant frequency within Non-Finnish European control individuals in the gnomAD database is approximately 185 fold of the estimated maximal expected allele frequency for a pathogenic variant in APOB causing Early Onset Coronary Artery Disease phenotype (2e-05). c.7696G>A has been reported in the literature in heterozygous individuals affected with familial hypercholesterolemia in concurrence with c.10580G>A (p.Arg3527Gln) that has been classified as pathogenic by our laboratury (Radovica-Spalvina_2015). To our knowledge, no experimental evidence demonstrating its impact on protein function have been reported. The following publication have been ascertained in the context of this evaluation (PMID: 26415676). ClinVar contains an entry for this variant (Variation ID: 189300). Based on the evidence outlined above, the variant was classified as likely benign.

Quest Diagnostics Nichols Institute San Juan Capistrano
Classification: Benign. Last evaluated: 2022-08-08. Review status: criteria provided, single submitter. Criteria: Quest Diagnostics criteria. Collection method: clinical testing. Allele origin: unknown.

Centre of Medical Genetics, University Hospital Muenster
Classification: Uncertain significance. Last evaluated: 2021-12-08. Review status: criteria provided, single submitter. Criteria: ACMG Guidelines, 2015. Collection method: clinical testing. Allele origin: unknown. Affected: yes. Observed: 1 variant allele, 1 heterozygote.
Comment: ACMG categories: PM2,PP3

Ambry Genetics
Classification: Likely benign for Cardiovascular phenotype. Last evaluated: 2021-11-09. Review status: criteria provided, single submitter. Criteria: Ambry Variant Classification Scheme 2023. Collection method: clinical testing. Allele origin: germline.

Genetics and Molecular Pathology, SA Pathology
Classification: Benign for Hypercholesterolemia, autosomal dominant, type B. Last evaluated: 2021-09-22. Review status: criteria provided, single submitter. Criteria: ACMG Guidelines, 2015. Collection method: clinical testing. Allele origin: germline. Affected: yes.

Robarts Research Institute, Western University
Classification: Likely benign for Hypercholesterolemia, familial, 1. Last evaluated: 2019-08-22. Review status: criteria provided, single submitter. Criteria: Wang et al. (Arterioscler Thromb Vasc Biol. 2016). Collection method: clinical testing. Allele origin: germline. Inheritance: Autosomal dominant inheritance. Affected: yes. Observed: 2 variant alleles.

GeneDx
Classification: Likely benign. Last evaluated: 2017-09-06. Review status: criteria provided, single submitter. Criteria: GeneDx Variant Classification (06012015). Collection method: clinical testing. Allele origin: germline. Affected: yes.
Comment: This variant is considered likely benign or benign based on one or more of the following criteria: it is a conservative change, it occurs at a poorly conserved position in the protein, it is predicted to be benign by multiple in silico algorithms, and/or has population frequency not consistent with disease.

Illumina Laboratory Services, Illumina
Classification: Uncertain significance for Hypercholesterolemia, autosomal dominant, type B. Last evaluated: 2017-04-27. Review status: criteria provided, single submitter. Criteria: ICSL Variant Classification Criteria 13 December 2019. Collection method: clinical testing. Allele origin: germline.

Illumina Laboratory Services, Illumina
Classification: Uncertain significance for Familial hypobetalipoproteinemia 1. Last evaluated: 2017-04-27. Review status: criteria provided, single submitter. Criteria: ICSL Variant Classification Criteria 13 December 2019. Collection method: clinical testing. Allele origin: germline.

Laboratory for Molecular Medicine, Mass General Brigham Personalized Medicine
Classification: Benign. Last evaluated: 2016-03-28. Review status: criteria provided, single submitter. Criteria: LMM Criteria. Collection method: clinical testing. Allele origin: germline.
Comment: Variant identified in a genome or exome case(s) and assessed due to predicted null impact of the variant or pathogenic assertions in the literature or databases. Disclaimer: This variant has not undergone full assessment. The following are preliminary notes: ExAC: 0.9% (61/6612) Finnish chromosomes

Cardiovascular Research Group, Instituto Nacional de Saude Doutor Ricardo Jorge
Classification: Uncertain significance for Familial hypercholesterolemia. Last evaluated: 2016-03-01. Review status: criteria provided, single submitter. Criteria: ACMG Guidelines, 2015. Collection method: research. Allele origin: germline. Affected: yes.

Genetic Services Laboratory, University of Chicago
Classification: Uncertain significance. Last evaluated: 2015-12-10. Review status: criteria provided, single submitter. Criteria: ACMG Guidelines, 2015. Collection method: clinical testing. Allele origin: germline. Affected: no.

Institute for Integrative and Experimental Genomics, University of Luebeck
Classification: Likely benign for Familial Hypercholesterolemia. Review status: criteria provided, single submitter. Criteria: Submitter's publication. Collection method: research. Allele origin: germline. Inheritance: Autosomal dominant inheritance. Affected: no.

PreventionGenetics, part of Exact Sciences
Classification: Likely benign. Review status: criteria provided, single submitter. Criteria: ACMG Guidelines, 2015. Collection method: clinical testing. Allele origin: germline.

Clinical Genetics DNA and cytogenetics Diagnostics Lab, Erasmus MC, Erasmus Medical Center
Classification: Likely benign. Review status: no assertion criteria provided. Collection method: clinical testing. Allele origin: germline. Affected: yes. Study: VKGL Data-share Consensus. Not counted in ClinVar's aggregate classification.

Clinical Genetics, Academic Medical Center
Classification: Benign. Review status: no assertion criteria provided. Collection method: clinical testing. Allele origin: germline. Affected: yes. Study: VKGL Data-share Consensus. Not counted in ClinVar's aggregate classification.

Diagnostic Laboratory, Department of Genetics, University Medical Center Groningen
Classification: Likely benign. Review status: no assertion criteria provided. Collection method: clinical testing. Allele origin: germline. Affected: yes. Study: VKGL Data-share Consensus. Not counted in ClinVar's aggregate classification.

Literature cited by the submitters: PubMed 26415676 (cited by Women's Health and Genetics/Laboratory Corporation of America, LabCorp); PubMed 26036859 (cited by Quest Diagnostics Nichols Institute San Juan Capistrano); PubMed 22095935 (cited by Quest Diagnostics Nichols Institute San Juan Capistrano).